The following is an entry in ClinVar:

ClinVar aggregate classification (germline): Uncertain significance. Review status: criteria provided, multiple submitters, no conflicts (2 of 4 stars). 2 submissions from 2 submitters: Uncertain significance (2). Last evaluated 2022-08-17.

Conditions:
Inborn genetic diseases. Identifiers: MedGen C0950123, MeSH D030342.

Allele frequency attached by ClinVar (database versions not stated): gnomAD exomes below 0.00001.
gnomAD v4.1: 1 of 1,614,184 alleles (0.000062%); highest among the groups gnomAD compares: Admixed American, 0.0017%; no homozygotes.

Submissions (2):

Ambry Genetics
Classification: Uncertain significance for Inborn genetic diseases. Last evaluated: 2022-08-17. Review status: criteria provided, single submitter. Criteria: Ambry Variant Classification Scheme 2023. Collection method: clinical testing. Allele origin: germline.

Labcorp Genetics (formerly Invitae), Labcorp
Classification: Uncertain significance. Last evaluated: 2022-07-11. Review status: criteria provided, single submitter. Criteria: Invitae Variant Classification Sherloc (09022015). Collection method: clinical testing. Allele origin: germline.
Comment: In summary, the available evidence is currently insufficient to determine the role of this variant in disease. Therefore, it has been classified as a Variant of Uncertain Significance. Advanced modeling of protein sequence and biophysical properties (such as structural, functional, and spatial information, amino acid conservation, physicochemical variation, residue mobility, and thermodynamic stability) performed at Invitae indicates that this missense variant is not expected to disrupt MTOR protein function. This variant has not been reported in the literature in individuals affected with MTOR-related conditions. This variant is not present in population databases (gnomAD no frequency). This sequence change replaces threonine, which is neutral and polar, with asparagine, which is neutral and polar, at codon 714 of the MTOR protein (p.Thr714Asn).

NM_004958.4(MTOR):c.2141C>A (p.Thr714Asn)

Gene: MTOR (mechanistic target of rapamycin kinase; minus strand). Cytogenetic location: 1p36.22.
Variant type: single nucleotide variant.
Coding change: c.2141C>A on transcript NM_004958.4 (MANE Select); coding-DNA position 2141, C replaced by A.
Protein change: p.Thr714Asn; replaces threonine 714 with asparagine.
Molecular consequence: missense variant.
Genome position (GRCh38, 1-based): chr1:11,237,910, G>T on the plus strand (C>A on the coding strand, the complement: MTOR is on the minus strand). VCF-style: chr1-11237910-G-T. GRCh37 (hg19) VCF-style: chr1-11297967-G-T.
Other names: c.2141C>A, p.Thr714Asn (NM_001386500.1); c.893C>A, p.Thr298Asn (NM_001386501.1); short protein forms T298N, T714N.
Identifiers: ClinVar variation 1974679 (VCV001974679.6), dbSNP rs2523311130, ClinGen allele CA338387349.